The following is an entry in ClinVar:

ClinVar aggregate classification (germline): Uncertain significance (1 of 4 stars; one submission).

Conditions:
Cardiovascular phenotype. Identifiers: MedGen CN230736.

gnomAD v4.1: 8 of 1,604,500 alleles (0.0005%); highest among the groups gnomAD compares: Non-Finnish European, 0.00017%; no homozygotes.

Submission:

Ambry Genetics
Classification: Uncertain significance for Cardiovascular phenotype. Last evaluated: 2024-12-31. Review status: criteria provided, single submitter. Criteria: Ambry Variant Classification Scheme 2023. Collection method: clinical testing. Allele origin: germline.
Comment: The p.S1658A variant (also known as c.4972T>G), located in coding exon 12 of the TNXB gene, results from a T to G substitution at nucleotide position 4972. The serine at codon 1658 is replaced by alanine, an amino acid with similar properties. This amino acid position is conserved. In addition, this alteration is predicted to be tolerated by in silico analysis. Based on the available evidence, the clinical significance of this variant remains unclear.

NM_001365276.2(TNXB):c.4972T>G (p.Ser1658Ala)

Gene: TNXB (tenascin XB; minus strand). Cytogenetic location: 6p21.33.
Variant type: single nucleotide variant.
Coding change: c.4972T>G on transcript NM_001365276.2 (MANE Select); coding-DNA position 4972, T replaced by G.
Protein change: p.Ser1658Ala; replaces serine 1658 with alanine.
Molecular consequence: missense variant.
Genome position (GRCh38, 1-based): chr6:32,072,008, A>C on the plus strand (T>G on the coding strand, the complement: TNXB is on the minus strand). VCF-style: chr6-32072008-A-C. GRCh37 (hg19) VCF-style: chr6-32039785-A-C.
Other names: c.5713T>G, p.Ser1905Ala (NM_001428335.1); c.4972T>G, p.Ser1658Ala (NM_019105.8); short protein forms S1905A, S1658A.
Identifiers: ClinVar variation 3809322 (VCV003809322.1).